The following is an entry in ClinVar:

NM_000548.5(TSC2):c.3815-8C>T

Gene: TSC2 (TSC complex subunit 2; plus strand). Cytogenetic location: 16p13.3.
Variant type: single nucleotide variant.
Coding change: c.3815-8C>T on transcript NM_000548.5 (MANE Select); 8 bases into the intron before coding-DNA position 3815, C replaced by T.
Molecular consequence: intron variant.
Genome position (GRCh38, 1-based): chr16:2,082,428, C>T. VCF-style: chr16-2082428-C-T. GRCh37 (hg19) VCF-style: chr16-2132429-C-T.
Other names: c.3814+630C>T (NM_001114382.3); c.3686-8C>T (NM_021055.3, NM_001370405.1); c.3685+630C>T (NM_001363528.2); c.3683-8C>T (NM_001370404.1); c.3682+630C>T (NM_001077183.3); c.3574+630C>T (NM_001318827.2); c.3083-8C>T (NM_001318831.2); c.3538+630C>T (NM_001318829.2); and 1 more.
Identifiers: ClinVar variation 1130375 (VCV001130375.11), dbSNP rs1596404187, ClinGen allele CA2499223330.

ClinVar aggregate classification (germline): Conflicting classifications of pathogenicity. Review status: criteria provided, conflicting classifications (1 of 4 stars). 3 submissions from 3 submitters: Uncertain significance (1); Likely benign (2). Last evaluated 2025-05-30.

Conditions:
Tuberous sclerosis 2 (TSC2). Identifiers: Orphanet 805, MedGen C1860707, MONDO:0013199, OMIM 613254.
Hereditary cancer-predisposing syndrome. Also called: Neoplastic Syndromes, Hereditary; Tumor predisposition; Hereditary Cancer Syndrome; Hereditary neoplastic syndrome. Identifiers: Orphanet 140162, MedGen C0027672, MeSH D009386, MONDO:0015356.

Allele frequency attached by ClinVar (database versions not stated): gnomAD exomes below 0.00001.
gnomAD v4.1: 1 of 1,612,556 alleles (0.000062%); highest among the groups gnomAD compares: Non-Finnish European, 0.000085%; no homozygotes.

Submissions (3):

Myriad Genetics, Inc.
Classification: Likely benign for Tuberous sclerosis 2. Last evaluated: 2025-05-30. Review status: criteria provided, single submitter. Criteria: Myriad Autosomal Dominant, Autosomal Recessive and X-Linked Classification Criteria (2023). Collection method: clinical testing. Allele origin: unknown.
Comment: This variant is considered likely benign. This variant is intronic and is not expected to impact mRNA splicing.

Labcorp Genetics (formerly Invitae), Labcorp
Classification: Likely benign for Tuberous sclerosis 2. Last evaluated: 2024-10-06. Review status: criteria provided, single submitter. Criteria: Invitae Variant Classification Sherloc (09022015). Collection method: clinical testing. Allele origin: germline.

Sema4
Classification: Uncertain significance for Hereditary cancer-predisposing syndrome. Last evaluated: 2021-10-19. Review status: criteria provided, single submitter. Criteria: Sema4 Curation Guidelines. Collection method: curation. Allele origin: germline.
Comment: The TSC2 c.3815-8C>T variant has not been reported in the literature to our knowledge. It was not observed in the large and broad cohorts of the Genome Aggregation Database, but has been reported in ClinVar (Variation ID 1130375). In silico tools suggest the variant may not affect normal splicing, though these predictions have not been confirmed by functional studies. The evidence is insufficient to meet ACMG/AMP criteria for classifying the variant as benign or pathogenic. Thus, the clinical significance of this variant is currently uncertain.